The following is an entry in ClinVar:

NM_138691.3(TMC1):c.920A>G (p.Asp307Gly)

Gene: TMC1 (transmembrane channel like 1; plus strand). Cytogenetic location: 9q21.13.
Variant type: single nucleotide variant.
Coding change: c.920A>G on transcript NM_138691.3 (MANE Select); coding-DNA position 920, A replaced by G.
Protein change: p.Asp307Gly; replaces aspartic acid 307 with glycine.
Molecular consequence: missense variant.
Genome position (GRCh38, 1-based): chr9:72,788,374, A>G. VCF-style: chr9-72788374-A-G. GRCh37 (hg19) VCF-style: chr9-75403290-A-G.
Other names: short protein forms D307G.
Identifiers: ClinVar variation 3699522 (VCV003699522.2).

ClinVar aggregate classification (germline): Uncertain significance (1 of 4 stars; one submission).

gnomAD v4.1: 1 of 1,613,970 alleles (0.000062%); highest among the groups gnomAD compares: South Asian, 0.0011%; no homozygotes.

Submission:

Labcorp Genetics (formerly Invitae), Labcorp
Classification: Uncertain significance. Last evaluated: 2024-02-16. Review status: criteria provided, single submitter. Criteria: Invitae Variant Classification Sherloc (09022015). Collection method: clinical testing. Allele origin: germline.
Comment: This sequence change replaces aspartic acid, which is acidic and polar, with glycine, which is neutral and non-polar, at codon 307 of the TMC1 protein (p.Asp307Gly). This variant is not present in population databases (gnomAD no frequency). This variant has not been reported in the literature in individuals affected with TMC1-related conditions. Advanced modeling of protein sequence and biophysical properties (such as structural, functional, and spatial information, amino acid conservation, physicochemical variation, residue mobility, and thermodynamic stability) has been performed at Invitae for this missense variant, however the output from this modeling did not meet the statistical confidence thresholds required to predict the impact of this variant on TMC1 protein function. In summary, the available evidence is currently insufficient to determine the role of this variant in disease. Therefore, it has been classified as a Variant of Uncertain Significance.